The following is an entry in ClinVar:

NM_001127198.5(TMC6):c.1716-6del

Gene: TMC6 (transmembrane channel like 6; minus strand). Cytogenetic location: 17q25.3.
Variant type: Deletion.
Coding change: c.1716-6del on transcript NM_001127198.5 (MANE Select); 6 bases into the intron before coding-DNA position 1716, one base deleted (A; older notation c.1716-6delA).
Molecular consequence: intron variant.
Genome position (GRCh38, 1-based): chr17:78,119,398, T deleted on the plus strand (A on the coding strand, the reverse complement: TMC6 is on the minus strand). VCF-style (leftmost placement, unchanged base first): chr17-78119397-CT-C. GRCh37 (hg19) VCF-style: chr17-76115478-CT-C.
Other names: c.1536-6del (NM_001374594.1, NM_001374593.1); c.1716-6del (NM_001374596.1, NM_007267.7, NM_001321185.1 and 2 more transcripts).
Identifiers: ClinVar variation 1167881 (VCV001167881.15), dbSNP rs3841687, ClinGen allele CA8795591.
Genomic context (GRCh38, chr17:78,119,397, plus strand): 5'-GGGCAATGTCAAACTCCGGCTTCCGCCTCCTCTTCAGCTTCTTCTCGGAGATAATCCTGC[CT>C]CCGAGGACCCCGGATCGTTAGATGGGAAAGCCATGCCCAGGGAGGCCAGCCTGAGTCCCC-3'

ClinVar aggregate classification (germline): Benign. Review status: criteria provided, multiple submitters, no conflicts (2 of 4 stars). 4 submissions from 4 submitters: Benign (4). Last evaluated 2026-02-04.

Conditions:
Epidermodysplasia verruciformis. Identifiers: Orphanet 302, MedGen C0014522, MONDO:0009176.

Allele frequency attached by ClinVar (database versions not stated): ESP Exome Variant Server 0.03260; gnomAD exomes 0.04430 and 0.08828; gnomAD 0.05439 and 0.05794; TOPMed 0.06599; ExAC 0.08174; 1000 Genomes Project 30x 0.09931; 1000 Genomes Project 0.10224.

Submissions (4):

Labcorp Genetics (formerly Invitae), Labcorp
Classification: Benign for Epidermodysplasia verruciformis. Last evaluated: 2026-02-04. Review status: criteria provided, single submitter. Criteria: Invitae Variant Classification Sherloc (09022015). Collection method: clinical testing. Allele origin: germline.

Blueprint Genetics
Classification: Benign. Last evaluated: 2024-11-28. Review status: criteria provided, single submitter. Criteria: ACMG Guidelines, 2015. Collection method: clinical testing. Allele origin: germline.

Unidad de Genómica Garrahan, Hospital de Pediatría Garrahan
Classification: Benign. Last evaluated: 2024-01-24. Review status: criteria provided, single submitter. Criteria: ACMG Guidelines, 2015. Collection method: clinical testing. Allele origin: germline. Affected: no. Observed: 31 variant alleles.
Comment: This variant is classified as Benign based on local population frequency. This variant was detected in 35% of patients studied by a panel of primary immunodeficiencies. Number of patients: 31. Only high quality variants are reported.

GeneDx
Classification: Benign. Last evaluated: 2018-07-09. Review status: criteria provided, single submitter. Criteria: GeneDx Variant Classification Process June 2021. Collection method: clinical testing. Allele origin: germline. Affected: yes.